The following is an entry in ClinVar:

NM_001277115.2(DNAH11):c.380T>C (p.Val127Ala)

Gene: DNAH11 (dynein axonemal heavy chain 11; plus strand). Cytogenetic location: 7p15.3.
Variant type: single nucleotide variant.
Coding change: c.380T>C on transcript NM_001277115.2 (MANE Select); coding-DNA position 380, T replaced by C.
Protein change: p.Val127Ala; replaces valine 127 with alanine.
Molecular consequence: missense variant.
Genome position (GRCh38, 1-based): chr7:21,545,034, T>C. VCF-style: chr7-21545034-T-C. GRCh37 (hg19) VCF-style: chr7-21584652-T-C.
Other names: short protein forms V127A.
Identifiers: ClinVar variation 1412500 (VCV001412500.6), dbSNP rs1583469159, ClinGen allele CA366931753.

ClinVar aggregate classification (germline): Uncertain significance (1 of 4 stars; one submission).

Conditions:
Primary ciliary dyskinesia. Also called: Ciliary dyskinesia. Identifiers: Orphanet 244, MedGen C0008780, MONDO:0016575, HP:0012265.

gnomAD v4.1: 1 of 1,595,060 alleles (0.000063%); highest among the groups gnomAD compares: Non-Finnish European, 0.000085%; no homozygotes.

Submission:

Labcorp Genetics (formerly Invitae), Labcorp
Classification: Uncertain significance for Primary ciliary dyskinesia. Last evaluated: 2024-12-03. Review status: criteria provided, single submitter. Criteria: Invitae Variant Classification Sherloc (09022015). Collection method: clinical testing. Allele origin: germline.
Comment: This sequence change replaces valine, which is neutral and non-polar, with alanine, which is neutral and non-polar, at codon 127 of the DNAH11 protein (p.Val127Ala). This variant is not present in population databases (gnomAD no frequency). This variant has not been reported in the literature in individuals affected with DNAH11-related conditions. ClinVar contains an entry for this variant (Variation ID: 1412500). Invitae Evidence Modeling of protein sequence and biophysical properties (such as structural, functional, and spatial information, amino acid conservation, physicochemical variation, residue mobility, and thermodynamic stability) indicates that this missense variant is not expected to disrupt DNAH11 protein function with a negative predictive value of 95%. In summary, the available evidence is currently insufficient to determine the role of this variant in disease. Therefore, it has been classified as a Variant of Uncertain Significance.